The following is an entry in ClinVar:

NM_001243177.4(ALDOA):c.275-9C>G

Genes: ALDOA (aldolase, fructose-bisphosphate A; plus strand), LOC112694756 (uncharaterized LOC112694756; plus strand). Cytogenetic location: 16p11.2.
Variant type: single nucleotide variant.
Coding change: c.275-9C>G on transcript NM_001243177.4 (MANE Select); 9 bases into the intron before coding-DNA position 275, C replaced by G.
Molecular consequence: intron variant.
Genome position (GRCh38, 1-based): chr16:30,067,441, C>G. VCF-style: chr16-30067441-C-G. GRCh37 (hg19) VCF-style: chr16-30078762-C-G.
Other names: NM_000034.3:c.113-9C>G; c.*622-9C>G (NM_001365307.2, NM_001365305.2, NM_001365304.2); c.113-9C>G (NM_184043.2, NM_001127617.2, NM_184041.5).
Identifiers: ClinVar variation 2175229 (VCV002175229.5), dbSNP rs1182078816, ClinGen allele CA622166410.

ClinVar aggregate classification (germline): Uncertain significance. Review status: criteria provided, single submitter (1 of 4 stars). 2 submissions from 2 submitters: Uncertain significance (1). 1 of the submissions does not count toward it. Last evaluated 2023-06-13.

Conditions:
ALDOA-related disorder. Also called: ALDOA-related condition.
HNSHA due to aldolase A deficiency (GSD12). Also called: GLYCOGEN STORAGE DISEASE XII; GSD XII; RED CELL ALDOLASE DEFICIENCY; Glycogen storage disease due to aldolase A deficiency. Identifiers: Orphanet 57, MedGen C0272066, MONDO:0012747, OMIM 611881.

Allele frequency attached by ClinVar (database versions not stated): TOPMed below 0.00001; gnomAD 0.00001; gnomAD exomes 0.00001.
gnomAD v4.1: 4 of 1,613,372 alleles (0.00025%); highest among the groups gnomAD compares: Admixed American, 0.0017%; no homozygotes.

Submissions (2):

Labcorp Genetics (formerly Invitae), Labcorp
Classification: Uncertain significance for HNSHA due to aldolase A deficiency. Last evaluated: 2023-06-13. Review status: criteria provided, single submitter. Criteria: Invitae Variant Classification Sherloc (09022015). Collection method: clinical testing. Allele origin: germline.
Comment: This sequence change falls in intron 7 of the ALDOA gene. It does not directly change the encoded amino acid sequence of the ALDOA protein. This variant is present in population databases (no rsID available, gnomAD 0.003%). This variant has not been reported in the literature in individuals affected with ALDOA-related conditions. ClinVar contains an entry for this variant (Variation ID: 2175229). Algorithms developed to predict the effect of sequence changes on RNA splicing suggest that this variant may create or strengthen a splice site. In summary, the available evidence is currently insufficient to determine the role of this variant in disease. Therefore, it has been classified as a Variant of Uncertain Significance.

PreventionGenetics, part of Exact Sciences
Classification: Uncertain significance for ALDOA-related condition. Last evaluated: 2024-07-25. Review status: no assertion criteria provided. Collection method: clinical testing. Allele origin: germline. Not counted in ClinVar's aggregate classification.
Comment: The ALDOA c.113-9C>G variant is predicted to interfere with splicing. To our knowledge, this variant has not been reported in the literature. This variant is reported in 0.0029% of alleles in individuals of Latino descent in gnomAD. At this time, the clinical significance of this variant is uncertain due to the absence of conclusive functional and genetic evidence.